The following is an entry in ClinVar:

NM_021927.3(GUF1):c.706C>T (p.Leu236Phe)

Gene: GUF1 (GTP binding elongation factor GUF1; plus strand). Cytogenetic location: 4p12.
Variant type: single nucleotide variant.
Coding change: c.706C>T on transcript NM_021927.3 (MANE Select); coding-DNA position 706, C replaced by T.
Protein change: p.Leu236Phe; replaces leucine 236 with phenylalanine.
Molecular consequence: missense variant. On other transcripts: 5 prime UTR variant (2).
Genome position (GRCh38, 1-based): chr4:44,685,995, C>T. VCF-style: chr4-44685995-C-T. GRCh37 (hg19) VCF-style: chr4-44688012-C-T.
Other names: c.-267C>T (NM_001345867.2, NM_001345869.2); c.706C>T, p.Leu236Phe (NM_001345868.2); c.706C>T (NM_021927.2); short protein forms L236F.
Identifiers: ClinVar variation 1345213 (VCV001345213.9), dbSNP rs770113234, ClinGen allele CA2905405.

ClinVar aggregate classification (germline): Uncertain significance. Review status: criteria provided, multiple submitters, no conflicts (2 of 4 stars). 2 submissions from 2 submitters: Uncertain significance (2). Last evaluated 2025-04-30.

Allele frequency attached by ClinVar (database versions not stated): ExAC 0.00001; gnomAD 0.00001; gnomAD exomes 0.00001 and 0.00002; TOPMed 0.00001.

Submissions (2):

Ambry Genetics
Classification: Uncertain significance. Last evaluated: 2025-04-30. Review status: criteria provided, single submitter. Criteria: Ambry Variant Classification Scheme 2023. Collection method: clinical testing. Allele origin: germline.

Labcorp Genetics (formerly Invitae), Labcorp
Classification: Uncertain significance. Last evaluated: 2022-07-05. Review status: criteria provided, single submitter. Criteria: Invitae Variant Classification Sherloc (09022015). Collection method: clinical testing. Allele origin: germline.
Comment: In summary, the available evidence is currently insufficient to determine the role of this variant in disease. Therefore, it has been classified as a Variant of Uncertain Significance. Algorithms developed to predict the effect of missense changes on protein structure and function are either unavailable or do not agree on the potential impact of this missense change (SIFT: "Deleterious"; PolyPhen-2: "Possibly Damaging"; Align-GVGD: "Class C0"). ClinVar contains an entry for this variant (Variation ID: 1345213). This variant has not been reported in the literature in individuals affected with GUF1-related conditions. This variant is present in population databases (rs770113234, gnomAD 0.03%). This sequence change replaces leucine, which is neutral and non-polar, with phenylalanine, which is neutral and non-polar, at codon 236 of the GUF1 protein (p.Leu236Phe).